The following is an entry in ClinVar:

NM_198880.3(QRICH1):c.2265G>A (p.Thr755=)

Gene: QRICH1 (glutamine rich 1; minus strand). Cytogenetic location: 3p21.31.
Variant type: single nucleotide variant.
Coding change: c.2265G>A on transcript NM_198880.3 (MANE Select); coding-DNA position 2265, G replaced by A.
Protein change: p.Thr755=; no amino-acid change (threonine 755 retained).
Molecular consequence: synonymous variant.
Genome position (GRCh38, 1-based): chr3:49,030,518, C>T on the plus strand (G>A on the coding strand, the complement: QRICH1 is on the minus strand). VCF-style: chr3-49030518-C-T. GRCh37 (hg19) VCF-style: chr3-49067951-C-T.
Other names: c.2265G>A, p.Thr755= (NM_001320580.2, NM_001320581.2, NM_001320582.2 and 4 more transcripts).
Identifiers: ClinVar variation 3041908 (VCV003041908.3), dbSNP rs140691644, ClinGen allele CA2390949.

ClinVar aggregate classification (germline): Likely benign. Review status: criteria provided, single submitter (1 of 4 stars). 2 submissions from 2 submitters: Likely benign (1). 1 of the submissions does not count toward it. Last evaluated 2026-09-01.

Conditions:
QRICH1-related disorder. Also called: QRICH1-related condition.

Allele frequency attached by ClinVar (database versions not stated): gnomAD exomes 0.00012; ExAC 0.00040; gnomAD 0.00122; TOPMed 0.00125; ESP Exome Variant Server 0.00138; 1000 Genomes Project 30x 0.00172; 1000 Genomes Project 0.00180.
gnomAD v4.1: 370 of 1,614,114 alleles (0.023%); highest among the groups gnomAD compares: African/African-American, 0.41%; 2 homozygotes.

Submissions (2):

CeGaT Center for Human Genetics Tuebingen
Classification: Likely benign. Last evaluated: 2026-09-01. Review status: criteria provided, single submitter. Criteria: CeGaT Center For Human Genetics Tuebingen Variant Classification Criteria Version 2. Collection method: clinical testing. Allele origin: germline. Affected: yes. Observed: 1 variant allele.
Comment: QRICH1: BP4, BP7

PreventionGenetics, part of Exact Sciences
Classification: Benign for QRICH1-related condition. Last evaluated: 2019-05-20. Review status: no assertion criteria provided. Collection method: clinical testing. Allele origin: germline. Not counted in ClinVar's aggregate classification.
Comment: This variant is classified as benign based on ACMG/AMP sequence variant interpretation guidelines (Richards et al. 2015 PMID: 25741868, with internal and published modifications).